The following is an entry in ClinVar:

NM_025114.4(CEP290):c.4651C>A (p.Gln1551Lys)

Gene: CEP290 (centrosomal protein 290; minus strand). Cytogenetic location: 12q21.32.
Variant type: single nucleotide variant.
Coding change: c.4651C>A on transcript NM_025114.4 (MANE Select); coding-DNA position 4651, C replaced by A.
Protein change: p.Gln1551Lys; replaces glutamine 1551 with lysine.
Molecular consequence: missense variant.
Genome position (GRCh38, 1-based): chr12:88,084,639, G>T on the plus strand (C>A on the coding strand, the complement: CEP290 is on the minus strand). VCF-style: chr12-88084639-G-T. GRCh37 (hg19) VCF-style: chr12-88478416-G-T.
Other names: short protein forms Q1551K.
Identifiers: ClinVar variation 1924237 (VCV001924237.5), dbSNP rs746305733, ClinGen allele CA385994769.

ClinVar aggregate classification (germline): Uncertain significance (1 of 4 stars; one submission).

Conditions:
Joubert syndrome. Also called: CEREBELLOPARENCHYMAL DISORDER IV; JOUBERT-BOLTSHAUSER SYNDROME; Familial aplasia of the vermis. Identifiers: Orphanet 475, MedGen C5979921, MONDO:0018772.
Meckel-Gruber syndrome. Also called: DYSENCEPHALIA SPLANCHNOCYSTICA; GRUBER SYNDROME; Dysencephalia splachnocystica. Identifiers: Orphanet 564, MedGen C0265215, MONDO:0018921.
Nephronophthisis. Also called: Juvenile Nephronophthisis. Identifiers: Orphanet 655, MedGen C0687120, MONDO:0019005, HP:0000090.

Submission:

Labcorp Genetics (formerly Invitae), Labcorp
Classification: Uncertain significance for Joubert syndrome; Meckel-Gruber syndrome; Nephronophthisis. Last evaluated: 2023-07-17. Review status: criteria provided, single submitter. Criteria: Invitae Variant Classification Sherloc (09022015). Collection method: clinical testing. Allele origin: germline.
Comment: In summary, the available evidence is currently insufficient to determine the role of this variant in disease. Therefore, it has been classified as a Variant of Uncertain Significance. Advanced modeling of protein sequence and biophysical properties (such as structural, functional, and spatial information, amino acid conservation, physicochemical variation, residue mobility, and thermodynamic stability) performed at Invitae indicates that this missense variant is not expected to disrupt CEP290 protein function. ClinVar contains an entry for this variant (Variation ID: 1924237). This variant has not been reported in the literature in individuals affected with CEP290-related conditions. This variant is not present in population databases (gnomAD no frequency). This sequence change replaces glutamine, which is neutral and polar, with lysine, which is basic and polar, at codon 1551 of the CEP290 protein (p.Gln1551Lys).